The following is an entry in ClinVar:

NM_001130965.3(SUN1):c.1598T>A (p.Leu533Gln)

Gene: SUN1 (Sad1 and UNC84 domain containing 1; plus strand). Cytogenetic location: 7p22.3.
Variant type: single nucleotide variant.
Coding change: c.1598T>A on transcript NM_001130965.3 (MANE Select); coding-DNA position 1598, T replaced by A.
Protein change: p.Leu533Gln; replaces leucine 533 with glutamine.
Molecular consequence: missense variant. On other transcripts: non-coding transcript variant (3).
Genome position (GRCh38, 1-based): chr7:860,201, T>A. VCF-style: chr7-860201-T-A. GRCh37 (hg19) VCF-style: chr7-899838-T-A.
Other names: c.1640T>A, p.Leu547Gln (NM_001367647.1, NM_001367668.1); c.1460T>A, p.Leu487Gln (NM_001367648.1); c.1643T>A, p.Leu548Gln (NM_001367649.1); c.2012T>A, p.Leu671Gln (NM_001367651.1); c.1598T>A, p.Leu533Gln (NM_001367653.1, NM_001367633.1, NM_001367634.1); c.1808T>A, p.Leu603Gln (NM_001367655.1, NM_001367700.1); c.884T>A, p.Leu295Gln (NM_001367658.1); c.1415T>A, p.Leu472Gln (NM_001367660.1); and 43 more; short protein forms L472Q, L477Q, L519Q, L537Q, L560Q, L569Q, L570Q, L599Q.
Identifiers: ClinVar variation 1913552 (VCV001913552.5), dbSNP rs538639219, ClinGen allele CA4112310.

ClinVar aggregate classification (germline): Uncertain significance (1 of 4 stars; one submission).

Conditions:
Emery-Dreifuss muscular dystrophy (EDMD). Also called: Scapuloperoneal syndrome, X-linked (formerly); Humeroperoneal neuromuscular disease, (formerly). Identifiers: Orphanet 261, MedGen C0410189, MONDO:0016830.

Allele frequency attached by ClinVar (database versions not stated): ExAC 0.00001; gnomAD 0.00001; 1000 Genomes Project 30x 0.00016; 1000 Genomes Project 0.00020.
gnomAD v4.1: 4 of 1,614,250 alleles (0.00025%); highest among the groups gnomAD compares: East Asian, 0.0089%; no homozygotes.

Submission:

Labcorp Genetics (formerly Invitae), Labcorp
Classification: Uncertain significance for Emery-Dreifuss muscular dystrophy. Last evaluated: 2022-09-27. Review status: criteria provided, single submitter. Criteria: Invitae Variant Classification Sherloc (09022015). Collection method: clinical testing. Allele origin: germline.
Comment: In summary, the available evidence is currently insufficient to determine the role of this variant in disease. Therefore, it has been classified as a Variant of Uncertain Significance. Algorithms developed to predict the effect of missense changes on protein structure and function (SIFT, PolyPhen-2, Align-GVGD) all suggest that this variant is likely to be disruptive. This variant has not been reported in the literature in individuals affected with SUN1-related conditions. This variant is present in population databases (rs538639219, gnomAD 0.01%). This sequence change replaces leucine, which is neutral and non-polar, with glutamine, which is neutral and polar, at codon 533 of the SUN1 protein (p.Leu533Gln).